The following is an entry in ClinVar:

NM_000548.5(TSC2):c.2350A>G (p.Lys784Glu)

Gene: TSC2 (TSC complex subunit 2; plus strand). Cytogenetic location: 16p13.3.
Variant type: single nucleotide variant.
Coding change: c.2350A>G on transcript NM_000548.5 (MANE Select); coding-DNA position 2350, A replaced by G.
Protein change: p.Lys784Glu; replaces lysine 784 with glutamic acid.
Molecular consequence: missense variant.
Genome position (GRCh38, 1-based): chr16:2,072,978, A>G. VCF-style: chr16-2072978-A-G. GRCh37 (hg19) VCF-style: chr16-2122979-A-G.
Other names: c.2239A>G, p.Lys747Glu (NM_001406670.1, NM_001406678.1, NM_001318827.2); c.2338A>G, p.Lys780Glu (NM_001406671.1, NM_001406673.1); c.2203A>G, p.Lys735Glu (NM_001406675.1, NM_001406676.1, NM_001406679.1 and 1 more transcripts); c.2293A>G, p.Lys765Glu (NM_001406677.1); c.1750A>G, p.Lys584Glu (NM_001406680.1, NM_001318831.2, NM_001406682.1 and 6 more transcripts); c.1888A>G, p.Lys630Glu (NM_001406681.1); c.2350A>G, p.Lys784Glu (NM_001077183.3, NM_001114382.3, NM_001363528.2 and 6 more transcripts); c.2383A>G, p.Lys795Glu (NM_001318832.2); and 3 more; short protein forms K630E, K747E, K784E, K814E, K336E, K795E, K250E, K584E.
Identifiers: ClinVar variation 2110695 (VCV002110695.6), dbSNP rs751172150, ClinGen allele CA038516.

ClinVar aggregate classification (germline): Conflicting classifications of pathogenicity. Review status: criteria provided, conflicting classifications (1 of 4 stars). 3 submissions from 3 submitters: Uncertain significance (2); Benign (1). Last evaluated 2026-07-06.

Conditions:
Tuberous sclerosis 2 (TSC2). Identifiers: Orphanet 805, MedGen C1860707, MONDO:0013199, OMIM 613254.
Hereditary cancer-predisposing syndrome. Also called: Tumor predisposition; Hereditary Cancer Syndrome; Hereditary neoplastic syndrome; Neoplastic Syndromes, Hereditary. Identifiers: Orphanet 140162, MedGen C0027672, MeSH D009386, MONDO:0015356.

Allele frequency attached by ClinVar (database versions not stated): ExAC 0.00001; gnomAD exomes 0.00001.
gnomAD v4.1: 15 of 1,613,512 alleles (0.00093%); highest among the groups gnomAD compares: Non-Finnish European, 0.0013%; no homozygotes.

Submissions (3):

Ambry Genetics
Classification: Uncertain significance for Hereditary cancer-predisposing syndrome. Last evaluated: 2026-07-06. Review status: criteria provided, single submitter. Criteria: Ambry Variant Classification Scheme 2023. Collection method: clinical testing. Allele origin: germline.
Comment: The p.K784E variant (also known as c.2350A>G), located in coding exon 20 of the TSC2 gene, results from an A to G substitution at nucleotide position 2350. The lysine at codon 784 is replaced by glutamic acid, an amino acid with similar properties. This amino acid position is well conserved in available vertebrate species. In addition, the in silico prediction for this alteration is inconclusive. Based on the available evidence, the clinical significance of this variant remains unclear.

Victorian Clinical Genetics Services, Murdoch Childrens Research Institute
Classification: Uncertain significance for Tuberous sclerosis 2. Last evaluated: 2023-07-16. Review status: criteria provided, single submitter. Criteria: ACMG Guidelines, 2015. Collection method: clinical testing. Allele origin: germline. Inheritance: Autosomal dominant inheritance. Affected: yes.
Comment: Based on the classification scheme VCGS_Germline_v1.3.4, this variant is classified as VUS-3C. Following criteria are met: 0102 - Loss of function is a known mechanism of disease in this gene and is associated with tuberous sclerosis-2 (MIM#613254). (I) 0107 - This gene is associated with autosomal dominant disease. (I) 0115 - Variants in this gene are known to have variable expressivity. Clinical manifestations demonstrate great phenotypic variability, where even within families the clinical symptoms can vary significantly among individuals (PMID: 31018109). (I) 0200 - Variant is predicted to result in a missense amino acid change from lysine to glutamic acid. (I) 0251 - This variant is heterozygous. (I) 0302 - Variant is present in gnomAD (v2) <0.001 for a dominant condition (1 heterozygote, 0 homozygotes). (SP) 0309 - An alternative amino acid change at the same position has been observed in gnomAD (v2) (2 heterozygotes, 0 homozygotes). (I) 0503 - Missense variant consistently predicted to be tolerated by multiple in silico tools or not conserved in placental mammals with a minor amino acid change. (SB) 0600 - Variant is located in the annotated tuberin domain (DECIPHER). (I) 0710 - Another missense variant comparable to the one identified in this case has inconclusive previous evidence for pathogenicity. This alternative change (p.(Lys784Arg)) has been reported as a VUS (ClinVar). Another alternative substitution with a higher Grantham score (p.(Lys784Thr)) has also been reported as a VUS (ClinVar). (I) 0807 - This variant has no previous evidence of pathogenicity. (I) 0905 - No published segregation evidence has been identified for this variant. (I) 1007 - No published functional evidence has been identified for this variant. (I) Legend: (SP) - Supporting pathogenic, (I) - Information, (SB) - Supporting benign

Labcorp Genetics (formerly Invitae), Labcorp
Classification: Benign for Tuberous sclerosis 2. Last evaluated: 2022-10-18. Review status: criteria provided, single submitter. Criteria: Invitae Variant Classification Sherloc (09022015). Collection method: clinical testing. Allele origin: germline.

Literature cited by the submitters: PubMed 31018109 (cited by Victorian Clinical Genetics Services, Murdoch Childrens Research Institute).